The following is an entry in ClinVar:

NM_001098.3(ACO2):c.197C>T (p.Ser66Leu)

Gene: ACO2 (aconitase 2; plus strand). Cytogenetic location: 22q13.2.
Variant type: single nucleotide variant.
Coding change: c.197C>T on transcript NM_001098.3 (MANE Select); coding-DNA position 197, C replaced by T.
Protein change: p.Ser66Leu; replaces serine 66 with leucine.
Molecular consequence: missense variant.
Genome position (GRCh38, 1-based): chr22:41,507,814, C>T. VCF-style: chr22-41507814-C-T. GRCh37 (hg19) VCF-style: chr22-41903818-C-T.
Other names: short protein forms S66L.
Identifiers: ClinVar variation 1967504 (VCV001967504.6), dbSNP rs1324459057, ClinGen allele CA411712859.

ClinVar aggregate classification (germline): Uncertain significance. Review status: criteria provided, single submitter (1 of 4 stars). 2 submissions from 2 submitters: Uncertain significance (1). 1 of the submissions does not count toward it. Last evaluated 2023-02-01.

Conditions:
Optic atrophy. Identifiers: MedGen C0029124, MONDO:0003608, HP:0000648.

Allele frequency attached by ClinVar (database versions not stated): TOPMed 0.00001.
gnomAD v4.1: 8 of 1,614,128 alleles (0.0005%); highest among the groups gnomAD compares: East Asian, 0.0022%; no homozygotes.

Submissions (2):

Labcorp Genetics (formerly Invitae), Labcorp
Classification: Uncertain significance. Last evaluated: 2023-02-01. Review status: criteria provided, single submitter. Criteria: Invitae Variant Classification Sherloc (09022015). Collection method: clinical testing. Allele origin: germline.
Comment: This variant is present in population databases (no rsID available, gnomAD 0.003%). This variant has not been reported in the literature in individuals affected with ACO2-related conditions. Advanced modeling of protein sequence and biophysical properties (such as structural, functional, and spatial information, amino acid conservation, physicochemical variation, residue mobility, and thermodynamic stability) has been performed at Invitae for this missense variant, however the output from this modeling did not meet the statistical confidence thresholds required to predict the impact of this variant on ACO2 protein function. In summary, the available evidence is currently insufficient to determine the role of this variant in disease. Therefore, it has been classified as a Variant of Uncertain Significance. This sequence change replaces serine, which is neutral and polar, with leucine, which is neutral and non-polar, at codon 66 of the ACO2 protein (p.Ser66Leu).

Institute of Human Genetics, Univ. Regensburg, Univ. Regensburg
Classification: Uncertain significance for Optic atrophy. Last evaluated: 2018-01-01. Review status: no assertion criteria provided. Criteria: ACMG Guidelines, 2015. Collection method: clinical testing. Allele origin: germline. Affected: yes. Not counted in ClinVar's aggregate classification.